The following is an entry in ClinVar:

NM_182746.3(MCM4):c.1800G>A (p.Lys600=)

Gene: MCM4 (minichromosome maintenance complex component 4; plus strand). Cytogenetic location: 8q11.21.
Variant type: single nucleotide variant.
Coding change: c.1800G>A on transcript NM_182746.3 (MANE Select); coding-DNA position 1800, G replaced by A.
Protein change: p.Lys600=; no amino-acid change (lysine 600 retained).
Molecular consequence: synonymous variant.
Genome position (GRCh38, 1-based): chr8:47,970,876, G>A. VCF-style: chr8-47970876-G-A. GRCh37 (hg19) VCF-style: chr8-48883436-G-A.
Other names: c.1800G>A, p.Lys600= (NM_005914.4).
Identifiers: ClinVar variation 1363428 (VCV001363428.7), dbSNP rs2154505338, ClinGen allele CA460613540.

ClinVar aggregate classification (germline): Uncertain significance (1 of 4 stars; one submission).

Submissions (2):

Labcorp Genetics (formerly Invitae), Labcorp
Classification: Uncertain significance. Last evaluated: 2024-02-23. Review status: criteria provided, single submitter. Criteria: Invitae Variant Classification Sherloc (09022015). Collection method: clinical testing. Allele origin: germline.
Comment: This sequence change affects codon 600 of the MCM4 mRNA. It is a 'silent' change, meaning that it does not change the encoded amino acid sequence of the MCM4 protein. This variant also falls at the last nucleotide of exon 11, which is part of the consensus splice site for this exon. This variant is not present in population databases (gnomAD no frequency). This variant has not been reported in the literature in individuals affected with MCM4-related conditions. ClinVar contains an entry for this variant (Variation ID: 1363428). Variants that disrupt the consensus splice site are a relatively common cause of aberrant splicing (PMID: 17576681, 9536098). Algorithms developed to predict the effect of sequence changes on RNA splicing suggest that this variant is not likely to affect RNA splicing. In summary, the available evidence is currently insufficient to determine the role of this variant in disease. Therefore, it has been classified as a Variant of Uncertain Significance.

Dr. Peter K. Rogan Lab, Western University
No classification provided (evidence only). Condition: Gastric cancer. Review status: no classification provided. Collection method: in vitro. Allele origin: not applicable. Functional consequence: retained intron. Not counted in ClinVar's aggregate classification.

Literature cited by the submitters: PubMed 17576681 (cited by Labcorp Genetics (formerly Invitae), Labcorp); PubMed 9536098 (cited by Labcorp Genetics (formerly Invitae), Labcorp).